The following is an entry in ClinVar:

NM_000180.4(GUCY2D):c.431G>T (p.Gly144Val)

Gene: GUCY2D (guanylate cyclase 2D, retinal; plus strand). Cytogenetic location: 17p13.1.
Variant type: single nucleotide variant.
Coding change: c.431G>T on transcript NM_000180.4 (MANE Select); coding-DNA position 431, G replaced by T.
Protein change: p.Gly144Val; replaces glycine 144 with valine.
Molecular consequence: missense variant.
Genome position (GRCh38, 1-based): chr17:8,003,478, G>T. VCF-style: chr17-8003478-G-T. GRCh37 (hg19) VCF-style: chr17-7906796-G-T.
Other names: short protein forms G144V.
Identifiers: ClinVar variation 942853 (VCV000942853.9), dbSNP rs1975674167, ClinGen allele CA397943557.
Genomic context (GRCh38, chr17:8,003,478, plus strand): 5'-TCGTGGGTCCGGTGAACCCTGCGGCCTGCCGGCCAGCCGAGCTGCTCGCCGAAGAAGCCG[G>T]GATCGCGCTGGTGCCCTGGGGCTGCCCCTGGACGCAGGCGGAGGGCACCACGGCCCCTGC-3'
Protein context (NP_000171.1, residues 134-154): RPAELLAEEA[Gly144Val]IALVPWGCPW

ClinVar aggregate classification (germline): Uncertain significance (1 of 4 stars; one submission).

Conditions:
Cone-rod dystrophy 6 (CORD6). Also called: RETINAL CONE DYSTROPHY 2; Cone dystrophy progressive. Identifiers: Orphanet 1872, MedGen C1866293, MONDO:0011143, OMIM 601777.
Leber congenital amaurosis 1 (LCA1). Also called: AMAUROSIS CONGENITA OF LEBER I; Congenital absence of the rods and cones; Leber's congenital tapetoretinal degeneration; Leber's congenital tapetoretinal dysplasia; RETINAL BLINDNESS, CONGENITAL. Identifiers: Orphanet 65, MedGen C2931258, MONDO:0008764, OMIM 204000.

Submission:

Labcorp Genetics (formerly Invitae), Labcorp
Classification: Uncertain significance for Leber congenital amaurosis 1; Cone-rod dystrophy 6. Last evaluated: 2019-09-19. Review status: criteria provided, single submitter. Criteria: Invitae Variant Classification Sherloc (09022015). Collection method: clinical testing. Allele origin: germline.
Comment: The frequency data for this variant in the population databases is considered unreliable, as metrics indicate insufficient coverage at this position in the ExAC database. This variant has not been reported in the literature in individuals with GUCY2D-related conditions. Algorithms developed to predict the effect of missense changes on protein structure and function are either unavailable or do not agree on the potential impact of this missense change (SIFT: "Deleterious"; PolyPhen-2: "Probably Damaging"; Align-GVGD: "Class C0"). In summary, the available evidence is currently insufficient to determine the role of this variant in disease. Therefore, it has been classified as a Variant of Uncertain Significance. This sequence change replaces glycine with valine at codon 144 of the GUCY2D protein (p.Gly144Val). The glycine residue is highly conserved and there is a moderate physicochemical difference between glycine and valine.